The following is an entry in ClinVar:

NM_000203.5(IDUA):c.1223C>T (p.Ala408Val)

Gene: IDUA (alpha-L-iduronidase; plus strand). Cytogenetic location: 4p16.3.
Variant type: single nucleotide variant.
Coding change: c.1223C>T on transcript NM_000203.5 (MANE Select); coding-DNA position 1223, C replaced by T.
Protein change: p.Ala408Val; replaces alanine 408 with valine.
Molecular consequence: missense variant. On other transcripts: non-coding transcript variant (1).
Genome position (GRCh38, 1-based): chr4:1,002,765, C>T. VCF-style: chr4-1002765-C-T. GRCh37 (hg19) VCF-style: chr4-996553-C-T.
Other names: c.827C>T, p.Ala276Val (NM_001363576.1); short protein forms A276V, A408V.
Identifiers: ClinVar variation 3859392 (VCV003859392.1).

ClinVar aggregate classification (germline): Uncertain significance (1 of 4 stars; one submission).

Conditions:
Inborn genetic diseases. Identifiers: MedGen C0950123, MeSH D030342.

gnomAD v4.1: 4 of 1,481,970 alleles (0.00027%); highest among the groups gnomAD compares: African/African-American, 0.0015%; no homozygotes.

Submission:

Ambry Genetics
Classification: Uncertain significance for Inborn genetic diseases. Last evaluated: 2025-02-09. Review status: criteria provided, single submitter. Criteria: Ambry Variant Classification Scheme 2023. Collection method: clinical testing. Allele origin: germline.
Comment: The p.A408V variant (also known as c.1223C>T), located in coding exon 9 of the IDUA gene, results from a C to T substitution at nucleotide position 1223. The alanine at codon 408 is replaced by valine, an amino acid with similar properties. This amino acid position is conserved. In addition, this alteration is predicted to be tolerated by in silico analysis. Based on the available evidence, the clinical significance of this variant remains unclear.